The following is an entry in ClinVar:

ClinVar aggregate classification (germline): Pathogenic (1 of 4 stars; one submission).

Conditions:
Axenfeld-Rieger syndrome type 3 (RIEG3). Also called: AXENFELD-RIEGER ANOMALY WITH CARDIAC DEFECTS AND/OR SENSORINEURAL HEARING LOSS. Identifiers: Orphanet 782, MedGen C2678503, MONDO:0011233, OMIM 602482.

Submission:

Molecular Diagnosis Center for Deafness
Classification: Pathogenic for Axenfeld-Rieger syndrome type 3. Last evaluated: 2021-08-20. Review status: criteria provided, single submitter. Criteria: ClinGen HL ACMG Specifications v1. Collection method: case-control. Allele origin: de novo. Inheritance: Autosomal dominant inheritance. Affected: yes. Observed: 1 variant allele, 1 heterozygote.
Comment: The FOXC1, c.516_518delGCG (p.Arg173del) variant have not been reported previously.

NM_001453.3(FOXC1):c.504GCG[4] (p.Arg173del)

Gene: FOXC1 (forkhead box C1; plus strand). Cytogenetic location: 6p25.3.
Variant type: Microsatellite.
Coding change: c.504GCG[4] on transcript NM_001453.3 (MANE Select); four copies in a row of the 3-base unit GCG starting at c.504; the reference has five copies in a row; one copy, 3 bases deleted; also written c.516_518del.
Protein change: p.Arg173del; deletes arginine 173.
Molecular consequence: inframe deletion.
Genome position (GRCh38, 1-based): chr6:1,610,961-1,610,963, GCG deleted; deleting any 3 consecutive bases within chr6:1,610,949-1,610,963 gives the same sequence; the position shown is the placement nearest the transcript's 3' end. VCF-style (leftmost placement, unchanged base first): chr6-1610948-TGCG-T. GRCh37 (hg19) VCF-style: chr6-1611183-TGCG-T.
Other names: c.516_518del (NM_001453.3); short protein forms R173del.
Identifiers: ClinVar variation 1224520 (VCV001224520.2), dbSNP rs1183655796, ClinGen allele CA448393715.
Genomic context (GRCh38, chr6:1,610,948, plus strand): 5'-AGGGCAGCTACTGGACGCTGGACCCGGACTCCTACAACATGTTCGAGAACGGCAGCTTCC[TGCG>T]GCGGCGGCGGCGCTTCAAGAAGAAGGACGCGGTGAAGGACAAGGAGGAGAAGGACAGGCT-3'